The following is an entry in ClinVar:

ClinVar aggregate classification (germline): Uncertain significance (1 of 4 stars; one submission).

Submission:

GeneDx
Classification: Uncertain significance. Last evaluated: 2026-03-28. Review status: criteria provided, single submitter. Criteria: GeneDx Variant Classification Process June 2021. Collection method: clinical testing. Allele origin: germline.
Comment: In-frame insertion of 6 amino acid(s) in a non-repeat region; Not observed at significant frequency in large population cohorts (gnomAD); Has not been previously published as pathogenic or benign to our knowledge

NM_181552.4(CUX1):c.4112_4129dup (p.Pro1376_Pro1377insGlnGlnThrGluProPro)

Gene: CUX1 (cut like homeobox 1; plus strand). Cytogenetic location: 7q22.1.
Variant type: Duplication.
Coding change: c.4112_4129dup on transcript NM_181552.4 (MANE Select); coding-DNA positions 4112 to 4129, 18 bases duplicated (AGCAGACGGAGCCGCCGC).
Protein change: p.Pro1376_Pro1377insGlnGlnThrGluProPro.
Molecular consequence: inframe insertion. On other transcripts: intron variant (5).
Genome position (GRCh38, 1-based): chr7:102,248,636-102,248,653, AGCAGACGGAGCCGCCGC duplicated. VCF-style (leftmost placement, unchanged base first): chr7-102248635-G-GAGCAGACGGAGCCGCCGC. GRCh37 (hg19) VCF-style: chr7-101891915-G-GAGCAGACGGAGCCGCCGC.
Other names: c.4145_4162dup, p.Pro1387_Pro1388insGlnGlnThrGluProPro (NM_001202543.2); c.1256-24730_1256-24713dup (NM_001913.5); c.1250-24730_1250-24713dup (NM_181500.4); c.1118-24730_1118-24713dup (NM_001202545.3); c.1208-24730_1208-24713dup (NM_001202544.3); c.1139-24730_1139-24713dup (NM_001202546.3).
Identifiers: ClinVar variation 5017760 (VCV005017760.1).